The following is an entry in ClinVar:

ClinVar aggregate classification (germline): Uncertain significance (1 of 4 stars; one submission).

Conditions:
Autosomal dominant hypocalcemia 1 (HYPOC1). Also called: HYPOCALCEMIA, FAMILIAL. Identifiers: MedGen C3715128, MONDO:0011013, OMIM 601198.
Familial hypocalciuric hypercalcemia (FHH). Also called: Familial benign hypercalcemia. Identifiers: Orphanet 405, MedGen C1809471, MONDO:0018458.

gnomAD v4.1: 1 of 1,613,612 alleles (0.000062%); highest among the groups gnomAD compares: East Asian, 0.0022%; no homozygotes.

Submission:

Labcorp Genetics (formerly Invitae), Labcorp
Classification: Uncertain significance for Familial hypocalciuric hypercalcemia; Autosomal dominant hypocalcemia 1. Last evaluated: 2025-11-10. Review status: criteria provided, single submitter. Criteria: Invitae Variant Classification Sherloc (09022015). Collection method: clinical testing. Allele origin: germline.
Comment: This sequence change replaces threonine, which is neutral and polar, with isoleucine, which is neutral and non-polar, at codon 732 of the CASR protein (p.Thr732Ile). This variant is not present in population databases (gnomAD no frequency). This variant has not been reported in the literature in individuals affected with CASR-related conditions. An algorithm developed to predict the effect of missense changes on protein structure and function (PolyPhen-2) suggests that this variant is likely to be tolerated. In summary, the available evidence is currently insufficient to determine the role of this variant in disease. Therefore, it has been classified as a Variant of Uncertain Significance.

NM_000388.4(CASR):c.2195C>T (p.Thr732Ile)

Gene: CASR (calcium sensing receptor; plus strand). Cytogenetic location: 3q21.1.
Variant type: single nucleotide variant.
Coding change: c.2195C>T on transcript NM_000388.4 (MANE Select); coding-DNA position 2195, C replaced by T.
Protein change: p.Thr732Ile; replaces threonine 732 with isoleucine.
Molecular consequence: missense variant.
Genome position (GRCh38, 1-based): chr3:122,284,149, C>T. VCF-style: chr3-122284149-C-T. GRCh37 (hg19) VCF-style: chr3-122002996-C-T.
Other names: c.2225C>T, p.Thr742Ile (NM_001178065.2); short protein forms T732I, T742I.
Identifiers: ClinVar variation 4784678 (VCV004784678.1).